The following is an entry in ClinVar:

NM_000301.5(PLG):c.2263A>G (p.Ser755Gly)

Gene: PLG (plasminogen; plus strand). Cytogenetic location: 6q26.
Variant type: single nucleotide variant.
Coding change: c.2263A>G on transcript NM_000301.5 (MANE Select); coding-DNA position 2263, A replaced by G.
Protein change: p.Ser755Gly; replaces serine 755 with glycine.
Molecular consequence: missense variant.
Genome position (GRCh38, 1-based): chr6:160,752,252, A>G. VCF-style: chr6-160752252-A-G. GRCh37 (hg19) VCF-style: chr6-161173284-A-G.
Other names: short protein forms S755G.
Identifiers: ClinVar variation 930467 (VCV000930467.3), dbSNP rs1778416234, ClinGen allele CA366368606.

ClinVar aggregate classification (germline): Uncertain significance (1 of 4 stars; one submission).

Conditions:
Plasminogen deficiency, type I. Also called: Type 1 plasminogen deficiency; Hypoplasminogenemia. Identifiers: Orphanet 722, MedGen C1968804, MONDO:0009009, OMIM 217090.

Allele frequency attached by ClinVar (database versions not stated): gnomAD 0.00001; gnomAD exomes 0.00001.
gnomAD v4.1: 13 of 1,613,872 alleles (0.00081%); highest among the groups gnomAD compares: Non-Finnish European, 0.0011%; no homozygotes.

Submission:

Centre for Mendelian Genomics, University Medical Centre Ljubljana
Classification: Uncertain significance for Plasminogen deficiency, type I. Last evaluated: 2019-04-25. Review status: criteria provided, single submitter. Criteria: ACMG Guidelines, 2015. Collection method: clinical testing. Allele origin: unknown. Affected: yes.
Comment: This variant was classified as: Uncertain significance. The available evidence on this variant's pathogenicity is insufficient or conflicting. The following ACMG criteria were applied in classifying this variant: PM2,PP3.